The following is an entry in ClinVar:

ClinVar aggregate classification (germline): Pathogenic. Review status: criteria provided, multiple submitters, no conflicts (2 of 4 stars). 3 submissions from 3 submitters: Pathogenic (3). Last evaluated 2026-09-04.

Conditions:
Hereditary pheochromocytoma and paraganglioma. Also called: Hereditary paragangliomas and pheochromocytomas; Hereditary Paraganglioma-Pheochromocytoma Syndromes; Hereditary pheochromocytoma-paraganglioma. Identifiers: Orphanet 29072, MedGen C4274332, MONDO:0017366.
Hereditary cancer-predisposing syndrome. Also called: Tumor predisposition; Hereditary Cancer Syndrome; Hereditary neoplastic syndrome; Neoplastic Syndromes, Hereditary. Identifiers: Orphanet 140162, MedGen C0027672, MeSH D009386, MONDO:0015356.

gnomAD v4.1: 2 of 1,614,104 alleles (0.00012%); highest among the groups gnomAD compares: Non-Finnish European, 0.00017%; no homozygotes.

Submissions (3):

Ambry Genetics
Classification: Pathogenic for Hereditary cancer-predisposing syndrome. Last evaluated: 2026-09-04. Review status: criteria provided, single submitter. Criteria: Ambry Variant Classification Scheme 2023. Collection method: clinical testing. Allele origin: germline.
Comment: The p.Q56* pathogenic mutation (also known as c.166C>T), located in coding exon 2 of the SDHAF2 gene, results from a C to T substitution at nucleotide position 166. This changes the amino acid from a glutamine to a stop codon within coding exon 2. This variant is considered to be rare based on population cohorts in the Genome Aggregation Database (gnomAD). This alteration is expected to result in loss of function by premature protein truncation or nonsense-mediated mRNA decay. As such, this alteration is interpreted as a disease-causing mutation.

All of Us Research Program, National Institutes of Health
Classification: Pathogenic for Hereditary pheochromocytoma and paraganglioma. Last evaluated: 2024-07-10. Review status: criteria provided, single submitter. Criteria: ACMG Guidelines, 2015. Collection method: clinical testing. Allele origin: germline. Inheritance: Autosomal dominant inheritance. Observed: 1 variant allele, 1 heterozygote.
Comment: This variant changes 1 nucleotide in exon 2 of the SDHAF2 gene, creating a premature translation stop signal. This variant is expected to result in an absent or non-functional protein product. To our knowledge, this variant has not been reported in individuals affected with SDHAF2-related disorders in the literature. This variant has not been identified in the general population by the Genome Aggregation Database (gnomAD). Based on the available evidence, this variant is classified as Pathogenic.

This study involves interpretation of variants in research participants for the purpose of population health screening. Participant phenotype was not available at the time of variant classification. Additional details can be found in publication PMID: 35346344, PMCID: PMC8962531

Color Diagnostics, LLC DBA Color Health
Classification: Pathogenic for Hereditary pheochromocytoma and paraganglioma. Last evaluated: 2024-04-24. Review status: criteria provided, single submitter. Criteria: ACMG Guidelines, 2015. Collection method: clinical testing. Allele origin: germline.
Comment: This variant changes 1 nucleotide in exon 2 of the SDHAF2 gene, creating a premature translation stop signal. This variant is expected to result in an absent or non-functional protein product. To our knowledge, this variant has not been reported in individuals affected with SDHAF2-related disorders in the literature. This variant has not been identified in the general population by the Genome Aggregation Database (gnomAD). Based on the available evidence, this variant is classified as Pathogenic.

NM_017841.4(SDHAF2):c.166C>T (p.Gln56Ter)

Gene: SDHAF2 (succinate dehydrogenase complex assembly factor 2; plus strand). Cytogenetic location: 11q12.2.
Variant type: single nucleotide variant.
Coding change: c.166C>T on transcript NM_017841.4 (MANE Select); coding-DNA position 166, C replaced by T.
Protein change: p.Gln56Ter; replaces glutamine 56 with a stop codon.
Molecular consequence: nonsense.
Genome position (GRCh38, 1-based): chr11:61,437,754, C>T. VCF-style: chr11-61437754-C-T. GRCh37 (hg19) VCF-style: chr11-61205226-C-T.
Other names: short protein forms Q56*.
Identifiers: ClinVar variation 3385979 (VCV003385979.4).